The following is an entry in ClinVar:

ClinVar aggregate classification (germline): Uncertain significance (1 of 4 stars; one submission).

Conditions:
Lessel-Kreienkamp syndrome. Identifiers: MedGen C5436892, MONDO:0030897, OMIM 619149.

gnomAD v4.1: 2 of 1,614,232 alleles (0.00012%); highest among the groups gnomAD compares: Non-Finnish European, 0.00017%; no homozygotes.

Submission:

UAEU Genomics Laboratory, United Arab Emirates University
Classification: Uncertain significance for Lessel-Kreienkamp syndrome. Last evaluated: 2024-10-04. Review status: criteria provided, single submitter. Criteria: ACMG Guidelines, 2015. Collection method: research. Allele origin: unknown. Affected: yes. Observed: 1 variant allele.
Comment: PM2, PP2, PP3

NM_012154.5(AGO2):c.2239G>A (p.Asp747Asn)

Gene: AGO2 (argonaute RISC catalytic component 2; minus strand). Cytogenetic location: 8q24.3.
Variant type: single nucleotide variant.
Coding change: c.2239G>A on transcript NM_012154.5 (MANE Select); coding-DNA position 2239, G replaced by A.
Protein change: p.Asp747Asn; replaces aspartic acid 747 with asparagine.
Molecular consequence: missense variant. On other transcripts: intron variant (1).
Genome position (GRCh38, 1-based): chr8:140,535,500, C>T on the plus strand (G>A on the coding strand, the complement: AGO2 is on the minus strand). VCF-style: chr8-140535500-C-T. GRCh37 (hg19) VCF-style: chr8-141545599-C-T.
Other names: c.2170-2885G>A (NM_001164623.3); short protein forms D747N.
Identifiers: ClinVar variation 5042572 (VCV005042572.1).